The following is an entry in ClinVar:

NM_007294.4(BRCA1):c.3447_3448del (p.Thr1149_Pro1150insTer)

Genes: BRCA1 (BRCA1 DNA repair associated; minus strand), LOC126862571 (BRD4-independent group 4 enhancer GRCh37_chr17:41243136-41244335; plus strand). Cytogenetic location: 17q21.31.
Variant type: Microsatellite.
Coding change: c.3447_3448del on transcript NM_007294.4 (MANE Select); coding-DNA positions 3447 to 3448, 2 bases deleted (AC; older notation c.3447_3448delAC).
Protein change: p.Thr1149_Pro1150insTer.
Molecular consequence: frameshift variant. On other transcripts: nonsense (1), intron variant (135).
Genome position (GRCh38, 1-based): chr17:43,092,083-43,092,084, GT deleted on the plus strand (AC on the coding strand, the reverse complement: BRCA1 is on the minus strand); deleting any 2 consecutive bases within chr17:43,092,083-43,092,086 gives the same sequence; the c. name uses the placement nearest the transcript's 3' end. VCF-style (leftmost placement, unchanged base first): chr17-43092082-GGT-G. GRCh37 (hg19) VCF-style: chr17-41244099-GGT-G.
Other names: c.3234_3235del, p.Thr1078_Pro1079insTer (NM_001407571.1, NM_001407853.1, NM_001407894.1 and 9 more transcripts); c.3447_3448del, p.Thr1149_Pro1150insTer (NM_001407581.1, NM_001407582.1, NM_001407583.1 and 30 more transcripts); c.3444_3445del, p.Thr1148_Pro1149insTer (NM_001407587.1, NM_001407590.1, NM_001407591.1 and 22 more transcripts); c.3438_3439del, p.Thr1146_Pro1147insTer (NM_001407646.1, NM_001407647.1); c.3324_3325del, p.Thr1108_Pro1109insTer (NM_001407648.1, NM_001407664.1, NM_001407665.1 and 19 more transcripts); c.3321_3322del, p.Thr1107_Pro1108insTer (NM_001407649.1, NM_001407670.1, NM_001407671.1 and 11 more transcripts); c.3369_3370del, p.Thr1123_Pro1124insTer (NM_001407653.1, NM_001407654.1, NM_001407655.1 and 4 more transcripts); c.3366_3367del, p.Thr1122_Pro1123insTer (NM_001407659.1, NM_001407660.1, NM_001407661.1 and 1 more transcripts); and 42 more.
Identifiers: ClinVar variation 937832 (VCV000937832.9), dbSNP rs2053585404, ClinGen allele CA2260782593.

ClinVar aggregate classification (germline): Pathogenic (1 of 4 stars; one submission).

Conditions:
Hereditary breast ovarian cancer syndrome. Also called: BRCA1- and BRCA2-Associated Hereditary Breast and Ovarian Cancer; Hereditary breast and/or ovarian cancer syndrome; Hereditary breast and ovarian cancer syndrome; Hereditary breast and ovarian cancer; Breast and ovarian cancer; Hereditary breast and ovarian cancer syndrome (HBOC). Identifiers: Orphanet 145, MedGen C0677776, MeSH D061325, MONDO:0003582. Disease mechanism: loss of function.

Submission:

Labcorp Genetics (formerly Invitae), Labcorp
Classification: Pathogenic for Hereditary breast ovarian cancer syndrome. Last evaluated: 2019-11-13. Review status: criteria provided, single submitter. Criteria: Invitae Variant Classification Sherloc (09022015). Collection method: clinical testing. Allele origin: germline.
Comment: For these reasons, this variant has been classified as Pathogenic. Loss-of-function variants in BRCA1 are known to be pathogenic (PMID: 20104584). This variant has not been reported in the literature in individuals with BRCA1-related conditions. This variant is not present in population databases (ExAC no frequency). This sequence change creates a premature translational stop signal (p.Pro1150*) in the BRCA1 gene. It is expected to result in an absent or disrupted protein product.

Literature cited by the submitters: PubMed 20104584.